The following is an entry in ClinVar:

NM_001110556.2(FLNA):c.4762G>A (p.Glu1588Lys)

Gene: FLNA (filamin A; minus strand). Cytogenetic location: Xq28.
Variant type: single nucleotide variant.
Coding change: c.4762G>A on transcript NM_001110556.2 (MANE Select); coding-DNA position 4762, G replaced by A.
Protein change: p.Glu1588Lys; replaces glutamic acid 1588 with lysine.
Molecular consequence: missense variant.
Genome position (GRCh38, 1-based): chrX:154,357,617, C>T on the plus strand (G>A on the coding strand, the complement: FLNA is on the minus strand). VCF-style: chrX-154357617-C-T. GRCh37 (hg19) VCF-style: chrX-153585985-C-T.
Other names: c.4762G>A, p.Glu1588Lys (NM_001456.4); short protein forms E1588K.
Identifiers: ClinVar variation 2062296 (VCV002062296.4), dbSNP rs2067673214, ClinGen allele CA415214412.

ClinVar aggregate classification (germline): Uncertain significance (1 of 4 stars; one submission).

Conditions:
Oto-palato-digital syndrome, type II (OPD2). Also called: FACIOPALATOOSSEOUS SYNDROME; OPD II SYNDROME; Otopalatodigital Syndrome, Type II; Otopalatodigital Syndrome Type 2 (FLNA-OPD2). Identifiers: Orphanet 669, Orphanet 90652, MedGen C1844696, MONDO:0010571, OMIM 304120.
Frontometaphyseal dysplasia (FMD1). Identifiers: Orphanet 1826, MedGen C0265293, MONDO:0015942.
Melnick-Needles syndrome (MNS). Also called: MELNICK-NEEDLES OSTEODYSPLASTY; OSTEODYSPLASTY OF MELNICK AND NEEDLES; Melnick-Needles Syndrome (FLNA-MNS). Identifiers: Orphanet 2484, MedGen C0025237, MONDO:0010650, OMIM 309350.
Heterotopia, periventricular, X-linked dominant (PVNH1). Also called: PERIVENTRICULAR NODULAR HETEROTOPIA 1; PERIVENTRICULAR NODULAR HETEROTOPIA 4; HETEROTOPIA, PERIVENTRICULAR, 1; X-linked periventricular heterotopia. Identifiers: Orphanet 2149, Orphanet 82004, MedGen C1848213, MONDO:0010233, OMIM 300049.

Allele frequency attached by ClinVar (database versions not stated): gnomAD exomes below 0.00001.
gnomAD v4.1: 5 of 1,211,227 alleles (0.00041%); highest among the groups gnomAD compares: Non-Finnish European, 0.00056%; no homozygotes.

Submission:

Labcorp Genetics (formerly Invitae), Labcorp
Classification: Uncertain significance for Oto-palato-digital syndrome, type II; Heterotopia, periventricular, X-linked dominant; Frontometaphyseal dysplasia; Melnick-Needles syndrome. Last evaluated: 2025-08-18. Review status: criteria provided, single submitter. Criteria: Invitae Variant Classification Sherloc (09022015). Collection method: clinical testing. Allele origin: germline.
Comment: This sequence change replaces glutamic acid, which is acidic and polar, with lysine, which is basic and polar, at codon 1588 of the FLNA protein (p.Glu1588Lys). This variant is not present in population databases (gnomAD no frequency). This missense change has been observed in individual(s) with clinical features of FLNA-related conditions (PMID: 33994118). ClinVar contains an entry for this variant (Variation ID: 2062296). Invitae Evidence Modeling of protein sequence and biophysical properties (such as structural, functional, and spatial information, amino acid conservation, physicochemical variation, residue mobility, and thermodynamic stability) indicates that this missense variant is not expected to disrupt FLNA protein function with a negative predictive value of 95%. In summary, the available evidence is currently insufficient to determine the role of this variant in disease. Therefore, it has been classified as a Variant of Uncertain Significance.

Literature cited by the submitters: PubMed 33994118.